The following is an entry in ClinVar:

ClinVar aggregate classification (germline): Uncertain significance (1 of 4 stars; one submission).

Conditions:
MELAS syndrome (MELAS). Also called: Juvenile myopathy, encephalopathy, lactic acidosis, stroke. Identifiers: Orphanet 550, MedGen C0162671, MONDO:0010789, OMIM 540000.

Submission:

Wong Mito Lab, Molecular and Human Genetics, Baylor College of Medicine
Classification: Uncertain significance for MELAS syndrome. Last evaluated: 2019-07-12. Review status: criteria provided, single submitter. Criteria: Modified ACMG Guidelines (Unpublished). Collection method: clinical testing. Allele origin: germline.
Comment: The NC_012920.1:m.5809G>A variant in MT-TC gene is interpreted to be a Unknown Significance variant based on the modified ACMG guidelines (unpublished). This variant meets the following evidence codes reported in the guidelines: PP3, PP6, BS1

Literature cited by the submitters: PubMed 31965079.

NC_012920.1(MT-TC):m.5809G>A

Gene: MT-TC (mitochondrially encoded tRNA cysteine; minus strand).
Variant type: single nucleotide variant.
Genome position: chrM-5809-G-A.
Identifiers: ClinVar variation 690000 (VCV000690000.1), dbSNP rs1603220134, ClinGen allele CA913180524.
Genomic context (GRCh38, chrMT:5,809, plus strand): 5'-AAAAGGCGGGAGAAGCCCCGGCAGGTTTGAAGCTGCTTCTTCGAATTTGCAATTCAATAT[G>A]AAAATCACCTCGGAGCTGGTAAAAAGAGGCCTAACCCCTGTCTTTAGATTTACAGTCCAA-3'